The following is an entry in ClinVar:

NM_145239.3(PRRT2):c.449C>G (p.Pro150Arg)

Genes: MVP-DT (MVP divergent transcript; minus strand), PRRT2 (proline rich transmembrane protein 2; plus strand). Cytogenetic location: 16p11.2.
Variant type: single nucleotide variant.
Coding change: c.449C>G on transcript NM_145239.3 (MANE Select); coding-DNA position 449, C replaced by G.
Protein change: p.Pro150Arg; replaces proline 150 with arginine.
Molecular consequence: missense variant.
Genome position (GRCh38, 1-based): chr16:29,813,503, C>G. VCF-style: chr16-29813503-C-G. GRCh37 (hg19) VCF-style: chr16-29824824-C-G.
Other names: c.449C>G, p.Pro150Arg (NM_001256442.2, NM_001256443.2); short protein forms P150R.
Identifiers: ClinVar variation 2077073 (VCV002077073.4), dbSNP rs772163956, ClinGen allele CA7994528.

ClinVar aggregate classification (germline): Uncertain significance (1 of 4 stars; one submission).

Conditions:
Episodic kinesigenic dyskinesia (EKD). Also called: Paroxysmal kinesigenic dyskinesia. Identifiers: Orphanet 98809, MedGen C1868682, MONDO:0044202.

Allele frequency attached by ClinVar (database versions not stated): ExAC 0.00001; gnomAD exomes 0.00001.

Submission:

Labcorp Genetics (formerly Invitae), Labcorp
Classification: Uncertain significance for Episodic kinesigenic dyskinesia. Last evaluated: 2022-03-16. Review status: criteria provided, single submitter. Criteria: Invitae Variant Classification Sherloc (09022015). Collection method: clinical testing. Allele origin: germline.
Comment: This sequence change replaces proline, which is neutral and non-polar, with arginine, which is basic and polar, at codon 150 of the PRRT2 protein (p.Pro150Arg). This variant is present in population databases (rs772163956, gnomAD 0.006%). This variant has not been reported in the literature in individuals affected with PRRT2-related conditions. Algorithms developed to predict the effect of missense changes on protein structure and function are either unavailable or do not agree on the potential impact of this missense change (SIFT: "Deleterious"; PolyPhen-2: "Possibly Damaging"; Align-GVGD: "Class C0"). In summary, the available evidence is currently insufficient to determine the role of this variant in disease. Therefore, it has been classified as a Variant of Uncertain Significance.